The following is an entry in ClinVar:

ClinVar aggregate classification (germline): Uncertain significance. Review status: criteria provided, multiple submitters, no conflicts (2 of 4 stars). 2 submissions from 2 submitters: Uncertain significance (2). Last evaluated 2026-09-10.

Conditions:
PLXNA3-related disorder. Also called: PLXNA3-related condition.

gnomAD v4.1: 55 of 1,195,573 alleles (0.0046%); highest among the groups gnomAD compares: Non-Finnish European, 0.0057%; no homozygotes.

Submissions (2):

PreventionGenetics, part of Exact Sciences
Classification: Uncertain significance for PLXNA3-related condition. Last evaluated: 2026-09-10. Review status: criteria provided, single submitter. Criteria: ACMG Guidelines, 2015. Collection method: clinical testing. Allele origin: germline.
Comment: The PLXNA3 c.2044G>A variant is predicted to result in the amino acid substitution p.Gly682Ser. To our knowledge, this variant has not been reported in the literature. This variant is reported in 0.0046% of alleles in individuals of European (Non-Finnish) descent in gnomAD, including two hemizygotes, which may be too frequent to be a primary cause of disease. Although we suspect that this variant may be benign, at this time, the clinical significance of this variant is uncertain due to the absence of conclusive functional and genetic evidence.

Ambry Genetics
Classification: Uncertain significance. Last evaluated: 2025-10-02. Review status: criteria provided, single submitter. Criteria: Ambry Variant Classification Scheme 2023. Collection method: clinical testing. Allele origin: germline.

NM_017514.5(PLXNA3):c.2044G>A (p.Gly682Ser)

Gene: PLXNA3 (plexin A3; plus strand). Cytogenetic location: Xq28.
Variant type: single nucleotide variant.
Coding change: c.2044G>A on transcript NM_017514.5 (MANE Select); coding-DNA position 2044, G replaced by A.
Protein change: p.Gly682Ser; replaces glycine 682 with serine.
Molecular consequence: missense variant.
Genome position (GRCh38, 1-based): chrX:154,465,018, G>A. VCF-style: chrX-154465018-G-A. GRCh37 (hg19) VCF-style: chrX-153693361-G-A.
Other names: c.2044G>A (NM_017514.3); short protein forms G682S.
Identifiers: ClinVar variation 3358665 (VCV003358665.3).